The following is an entry in ClinVar:

NM_007078.3(LDB3):c.1156G>A (p.Glu386Lys)

Gene: LDB3 (LIM domain binding 3; plus strand). Cytogenetic location: 10q23.2.
Variant type: single nucleotide variant.
Coding change: c.1156G>A on transcript NM_007078.3 (MANE Select); coding-DNA position 1156, G replaced by A.
Protein change: p.Glu386Lys; replaces glutamic acid 386 with lysine.
Molecular consequence: missense variant.
Genome position (GRCh38, 1-based): chr10:86,709,975, G>A. VCF-style: chr10-86709975-G-A. GRCh37 (hg19) VCF-style: chr10-88469732-G-A.
Other names: c.826G>A, p.Glu276Lys (NM_001080114.2); c.1171G>A, p.Glu391Lys (NM_001171610.2); c.967G>A, p.Glu323Lys (NM_001368064.1, NM_001368065.1); c.1015G>A, p.Glu339Lys (NM_001368066.1); short protein forms E323K, E339K, E276K, E386K, E391K.
Identifiers: ClinVar variation 2115094 (VCV002115094.4), dbSNP rs978782925, ClinGen allele CA211199107.
Genomic context (GRCh38, chr10:86,709,975, plus strand): 5'-TCTTCCTACAGCCCCGCAGTGGCCGCCTCTTCAGCACCTGCCACCCACACCAGCTACAGT[G>A]AGGGCCCCGCCGCCCCTGCACCCAAGCCCCGGGTTGTCACCACTGCCAGCATCCGGCCTT-3'
Protein context (NP_009009.1, residues 376-396): SAPATHTSYS[Glu386Lys]GPAAPAPKPR

ClinVar aggregate classification (germline): Uncertain significance (1 of 4 stars; one submission).

Conditions:
Myofibrillar myopathy 4. Also called: Zaspopathy (type). Identifiers: Orphanet 98912, MedGen C4721886, MONDO:0012277, OMIM 609452.

Allele frequency attached by ClinVar (database versions not stated): gnomAD 0.00001; TOPMed 0.00002.
gnomAD v4.1: 1 of 1,612,990 alleles (0.000062%); highest among the groups gnomAD compares: African/African-American, 0.0013%; no homozygotes.

Submission:

Labcorp Genetics (formerly Invitae), Labcorp
Classification: Uncertain significance for Myofibrillar myopathy 4. Last evaluated: 2024-02-23. Review status: criteria provided, single submitter. Criteria: Invitae Variant Classification Sherloc (09022015). Collection method: clinical testing. Allele origin: germline.
Comment: The LDB3 gene has multiple clinically relevant transcripts. This variant occurs in alternate transcript NM_007078.3, and corresponds to NM_001080116.1:c.*10601G>A in the primary transcript. This sequence change replaces glutamic acid, which is acidic and polar, with lysine, which is basic and polar, at codon 386 of the LDB3 protein (p.Glu386Lys). The frequency data for this variant in the population databases is considered unreliable, as metrics indicate poor data quality at this position in the gnomAD database. This variant has not been reported in the literature in individuals affected with LDB3-related conditions. Experimental studies and prediction algorithms are not available or were not evaluated, and the functional significance of this variant is currently unknown. In summary, the available evidence is currently insufficient to determine the role of this variant in disease. Therefore, it has been classified as a Variant of Uncertain Significance.